The following is an entry in ClinVar:

NM_007294.4(BRCA1):c.4043del (p.Gly1348fs)

Genes: BRCA1 (BRCA1 DNA repair associated; minus strand), LOC126862571 (BRD4-independent group 4 enhancer GRCh37_chr17:41243136-41244335; plus strand). Cytogenetic location: 17q21.31.
Variant type: Deletion.
Coding change: c.4043del on transcript NM_007294.4 (MANE Select); coding-DNA position 4043, one base deleted (G; older notation c.4043delG).
Protein change: p.Gly1348fs; shifts the reading frame from glycine 1348.
Molecular consequence: frameshift variant. On other transcripts: intron variant (135).
Genome position (GRCh38, 1-based): chr17:43,091,488, C deleted on the plus strand (G on the coding strand, the reverse complement: BRCA1 is on the minus strand); the first of 2 consecutive C bases (chr17:43,091,488-43,091,489); deleting either gives the same sequence. VCF-style (leftmost placement, unchanged base first): chr17-43091487-TC-T. GRCh37 (hg19) VCF-style: chr17-41243504-TC-T.
Other names: 4162delG; c.3830del, p.Gly1277fs (NM_001407571.1, NM_001407853.1, NM_001407894.1 and 9 more transcripts); c.4043del, p.Gly1348fs (NM_001407581.1, NM_001407582.1, NM_001407583.1 and 30 more transcripts); c.4040del, p.Gly1347fs (NM_001407587.1, NM_001407590.1, NM_001407591.1 and 22 more transcripts); c.4034del, p.Gly1345fs (NM_001407646.1, NM_001407647.1); c.3920del, p.Gly1307fs (NM_001407648.1, NM_001407664.1, NM_001407665.1 and 19 more transcripts); c.3917del, p.Gly1306fs (NM_001407649.1, NM_001407670.1, NM_001407671.1 and 11 more transcripts); c.3965del, p.Gly1322fs (NM_001407653.1, NM_001407654.1, NM_001407655.1 and 4 more transcripts); and 43 more; short protein forms G1348fs, G1301fs, G1180fs, G1259fs, G1281fs, G1300fs, G1347fs, G1052fs.
Identifiers: ClinVar variation 55083 (VCV000055083.7), dbSNP rs397509130, ClinGen allele CA002582.

ClinVar aggregate classification (germline): Pathogenic. Review status: reviewed by expert panel (3 of 4 stars). 2 submissions from 2 submitters: Pathogenic (1). 1 of the submissions does not count toward it. Last evaluated 2016-10-18.

Conditions:
Breast-ovarian cancer, familial, susceptibility to, 1 (BROVCA1). Also called: BRCA1 Hereditary Breast and Ovarian Cancer; OVARIAN CANCER, SUSCEPTIBILITY TO. Identifiers: Orphanet 145, MedGen C2676676, MONDO:0011450, OMIM 604370. Disease mechanism: loss of function.

Submissions (2):

Evidence-based Network for the Interpretation of Germline Mutant Alleles (ENIGMA)
Classification: Pathogenic for Breast-ovarian cancer, familial, susceptibility to, 1. Last evaluated: 2016-10-18. Review status: reviewed by expert panel. Criteria: ENIGMA BRCA1/2 Classification Criteria (2015). Collection method: curation. Allele origin: germline.
Comment: Variant allele predicted to encode a truncated non-functional protein.

Consortium of Investigators of Modifiers of BRCA1/2 (CIMBA), c/o University of Cambridge
Classification: Pathogenic for Breast-ovarian cancer, familial, susceptibility to, 1. Last evaluated: 2015-10-02. Review status: criteria provided, single submitter. Criteria: CIMBA Mutation Classification guidelines May 2016. Collection method: clinical testing. Allele origin: germline. Not counted in ClinVar's aggregate classification.